The following is an entry in ClinVar:

ClinVar aggregate classification (germline): Conflicting classifications of pathogenicity. Review status: criteria provided, conflicting classifications (1 of 4 stars). 3 submissions from 3 submitters: Uncertain significance (2); Likely benign (1). Last evaluated 2025-09-02.

Conditions:
Bethlem myopathy 1A. Also called: Bethlem Muscular Dystrophy; MYOPATHY, BENIGN CONGENITAL, WITH CONTRACTURES; Bethlem myopathy 1. Identifiers: Orphanet 610, MedGen CN029274, MONDO:0024530, OMIM 158810.

Allele frequency attached by ClinVar (database versions not stated): ExAC 0.00004; gnomAD 0.00007; TOPMed 0.00009.

Submissions (3):

Labcorp Genetics (formerly Invitae), Labcorp
Classification: Likely benign for Bethlem myopathy 1A. Last evaluated: 2025-09-02. Review status: criteria provided, single submitter. Criteria: Invitae Variant Classification Sherloc (09022015). Collection method: clinical testing. Allele origin: germline.

Mayo Clinic Laboratories, Mayo Clinic
Classification: Uncertain significance. Last evaluated: 2024-07-05. Review status: criteria provided, single submitter. Criteria: ACMG Guidelines, 2015. Collection method: clinical testing. Allele origin: germline. Observed: 2 variant alleles.
Comment: BP4

Eurofins Ntd Llc (ga)
Classification: Uncertain significance. Last evaluated: 2016-03-29. Review status: criteria provided, single submitter. Criteria: EGL Classification Definitions 2015. Collection method: clinical testing. Allele origin: germline. Observed: 1 variant allele, 1 heterozygote.

Literature cited by the submitters: PubMed 30564623 (cited by Mayo Clinic Laboratories, Mayo Clinic).

NM_004369.4(COL6A3):c.1088G>A (p.Arg363His)

Gene: COL6A3 (collagen type VI alpha 3 chain; minus strand). Cytogenetic location: 2q37.3.
Variant type: single nucleotide variant.
Coding change: c.1088G>A on transcript NM_004369.4 (MANE Select); coding-DNA position 1088, G replaced by A.
Protein change: p.Arg363His; replaces arginine 363 with histidine.
Molecular consequence: missense variant. On other transcripts: intron variant (2).
Genome position (GRCh38, 1-based): chr2:237,387,806, C>T on the plus strand (G>A on the coding strand, the complement: COL6A3 is on the minus strand). VCF-style: chr2-237387806-C-T. GRCh37 (hg19) VCF-style: chr2-238296449-C-T.
Other names: p.Arg363His; c.470G>A, p.Arg157His (NM_057165.5, NM_057167.4); c.92-6307G>A (NM_057166.5, NM_057164.5); short protein forms R363H, R157H.
Identifiers: ClinVar variation 287135 (VCV000287135.14), dbSNP rs776329513, ClinGen allele CA2189710.